The following is an entry in ClinVar:

NM_031885.5(BBS2):c.112G>A (p.Gly38Ser)

Gene: BBS2 (Bardet-Biedl syndrome 2; minus strand). Cytogenetic location: 16q13.
Variant type: single nucleotide variant.
Coding change: c.112G>A on transcript NM_031885.5 (MANE Select); coding-DNA position 112, G replaced by A.
Protein change: p.Gly38Ser; replaces glycine 38 with serine.
Molecular consequence: missense variant. On other transcripts: non-coding transcript variant (5).
Genome position (GRCh38, 1-based): chr16:56,519,751, C>T on the plus strand (G>A on the coding strand, the complement: BBS2 is on the minus strand). VCF-style: chr16-56519751-C-T. GRCh37 (hg19) VCF-style: chr16-56553663-C-T.
Other names: c.112G>A, p.Gly38Ser (NM_001377456.1); short protein forms G38S.
Identifiers: ClinVar variation 862167 (VCV000862167.9), dbSNP rs768699088, ClinGen allele CA8066139.
Genomic context (GRCh38, chr16:56,519,751, plus strand): 5'-GCGGAGATCCTGTGGTTCCCTGGGGCCCGGGCTCCCTGCGGGTGGGAGCGGTTACCTTGC[C>T]CGTTTGGGTGGCGGCCGCCAGGCACGGGTGAGTCCCGTCGTAGCGCCCTATGGCCACCAT-3'
Protein context (NP_114091.4, residues 28-48): HPCLAAATQT[Gly38Ser]KVFIHNPHTR

ClinVar aggregate classification (germline): Uncertain significance. Review status: criteria provided, multiple submitters, no conflicts (2 of 4 stars). 5 submissions from 5 submitters: Uncertain significance (4). 1 of the submissions does not count toward it. Last evaluated 2026-03-02.

Conditions:
Retinitis pigmentosa 74 (RP74). Identifiers: Orphanet 791, MedGen C4225281, MONDO:0014692, OMIM 616562.
Bardet-Biedl syndrome 2 (BBS2). Identifiers: Orphanet 110, MedGen C2936863, MONDO:0014432, OMIM 615981.
BBS2-related disorder. Also called: BBS2-related condition; BBS2-related disorders. Identifiers: MedGen CN239228.
Bardet-Biedl syndrome (BBS). Identifiers: Orphanet 110, MedGen C0752166, MONDO:0015229.

Allele frequency attached by ClinVar (database versions not stated): gnomAD 0.00002; ExAC 0.00004; TOPMed 0.00005.

Submissions (5):

PreventionGenetics, part of Exact Sciences
Classification: Uncertain significance for BBS2-related condition. Last evaluated: 2026-03-02. Review status: criteria provided, single submitter. Criteria: ACMG Guidelines, 2015. Collection method: clinical testing. Allele origin: germline.
Comment: The BBS2 c.112G>A variant is predicted to result in the amino acid substitution p.Gly38Ser. To our knowledge, this variant has not been reported in the literature. This variant is reported in 0.011% of alleles in individuals of Latino descent in gnomAD. At this time, the clinical significance of this variant is uncertain due to the absence of conclusive functional and genetic evidence.

Blueprint Genetics
Classification: Uncertain significance. Last evaluated: 2024-10-22. Review status: criteria provided, single submitter. Criteria: ACMG Guidelines, 2015. Collection method: clinical testing. Allele origin: germline.

Labcorp Genetics (formerly Invitae), Labcorp
Classification: Uncertain significance for Bardet-Biedl syndrome. Last evaluated: 2022-10-04. Review status: criteria provided, single submitter. Criteria: Invitae Variant Classification Sherloc (09022015). Collection method: clinical testing. Allele origin: germline.
Comment: This sequence change replaces glycine, which is neutral and non-polar, with serine, which is neutral and polar, at codon 38 of the BBS2 protein (p.Gly38Ser). This variant is present in population databases (rs768699088, gnomAD 0.01%). This variant has not been reported in the literature in individuals affected with BBS2-related conditions. ClinVar contains an entry for this variant (Variation ID: 862167). Algorithms developed to predict the effect of missense changes on protein structure and function (SIFT, PolyPhen-2, Align-GVGD) all suggest that this variant is likely to be tolerated. In summary, the available evidence is currently insufficient to determine the role of this variant in disease. Therefore, it has been classified as a Variant of Uncertain Significance.

Fulgent Genetics
Classification: Uncertain significance for Bardet-Biedl syndrome 2; Retinitis pigmentosa 74. Last evaluated: 2022-05-23. Review status: criteria provided, single submitter. Criteria: ACMG Guidelines, 2015. Collection method: clinical testing. Allele origin: unknown.

Natera, Inc.
Classification: Uncertain significance for Bardet-Biedl syndrome type 2. Last evaluated: 2020-01-17. Review status: no assertion criteria provided. Collection method: clinical testing. Allele origin: germline. Not counted in ClinVar's aggregate classification.